The following is an entry in ClinVar:

ClinVar aggregate classification (germline): Uncertain significance (1 of 4 stars; one submission).

Submission:

Labcorp Genetics (formerly Invitae), Labcorp
Classification: Uncertain significance. Last evaluated: 2024-03-18. Review status: criteria provided, single submitter. Criteria: Invitae Variant Classification Sherloc (09022015). Collection method: clinical testing. Allele origin: germline.
Comment: This sequence change replaces methionine, which is neutral and non-polar, with valine, which is neutral and non-polar, at codon 2137 of the PIEZO1 protein (p.Met2137Val). This variant is not present in population databases (gnomAD no frequency). This variant has not been reported in the literature in individuals affected with PIEZO1-related conditions. Advanced modeling of protein sequence and biophysical properties (such as structural, functional, and spatial information, amino acid conservation, physicochemical variation, residue mobility, and thermodynamic stability) performed at Invitae indicates that this missense variant is expected to disrupt PIEZO1 protein function with a positive predictive value of 80%. In summary, the available evidence is currently insufficient to determine the role of this variant in disease. Therefore, it has been classified as a Variant of Uncertain Significance.

NM_001142864.4(PIEZO1):c.6409A>G (p.Met2137Val)

Gene: PIEZO1 (piezo type mechanosensitive ion channel component 1 (Er blood group); minus strand). Cytogenetic location: 16q24.3.
Variant type: single nucleotide variant.
Coding change: c.6409A>G on transcript NM_001142864.4 (MANE Select); coding-DNA position 6409, A replaced by G.
Protein change: p.Met2137Val; replaces methionine 2137 with valine.
Molecular consequence: missense variant.
Genome position (GRCh38, 1-based): chr16:88,719,636, T>C on the plus strand (A>G on the coding strand, the complement: PIEZO1 is on the minus strand). VCF-style: chr16-88719636-T-C. GRCh37 (hg19) VCF-style: chr16-88786044-T-C.
Other names: short protein forms M2137V.
Identifiers: ClinVar variation 3669519 (VCV003669519.2).
Genomic context (GRCh38, chr16:88,719,636, plus strand): 5'-TCTCTGTCTCTCGGCTGCATTTGATGATGAAGATGTTGGCATAGATGTCCTCCACACACA[T>C]CCAGCTGGACAGGGACAGCGTGGTGTCCGTCCACACCCAGTCCATCACTGCCCGCAGCTC-3'
Protein context (NP_001136336.2, residues 2127-2147): TDTTLSLSSW[Met2137Val]CVEDIYANIF